The following is an entry in ClinVar:

ClinVar aggregate classification (germline): Uncertain significance. Review status: criteria provided, multiple submitters, no conflicts (2 of 4 stars). 3 submissions from 3 submitters: Uncertain significance (3). Last evaluated 2025-10-28.

Conditions:
Catecholaminergic polymorphic ventricular tachycardia (CVPT). Also called: Catecholamine-induced polymorphic ventricular tachycardia. Identifiers: Orphanet 3286, MedGen C5574922, MONDO:0017990.
Cardiomyopathy (CMYO). Also called: Cardiomyopathies. Identifiers: Orphanet 167848, MedGen C0878544, MONDO:0004994, HP:0001638. Inheritance: Various modes of inheritance.
Catecholaminergic polymorphic ventricular tachycardia 1. Also called: VENTRICULAR TACHYCARDIA, STRESS-INDUCED POLYMORPHIC 1; RYR2-Related Catecholaminergic Polymorphic Ventricular Tachycardia; VENTRICULAR TACHYCARDIA, CATECHOLAMINERGIC POLYMORPHIC, 1, WITH OR WITHOUT ATRIAL DYSFUNCTION AND/OR DILATED CARDIOMYOPATHY. Identifiers: Orphanet 3286, MedGen C1631597, MONDO:0011484, OMIM 604772.

Allele frequency attached by ClinVar (database versions not stated): gnomAD exomes below 0.00001.
gnomAD v4.1: 1 of 1,613,648 alleles (0.000062%); highest among the groups gnomAD compares: Non-Finnish European, 0.000085%; no homozygotes.

Submissions (3):

Labcorp Genetics (formerly Invitae), Labcorp
Classification: Uncertain significance for Catecholaminergic polymorphic ventricular tachycardia 1. Last evaluated: 2025-10-28. Review status: criteria provided, single submitter. Criteria: Invitae Variant Classification Sherloc (09022015). Collection method: clinical testing. Allele origin: germline.
Comment: This sequence change replaces glutamic acid, which is acidic and polar, with aspartic acid, which is acidic and polar, at codon 255 of the RYR2 protein (p.Glu255Asp). This variant is not present in population databases (gnomAD no frequency). This variant has not been reported in the literature in individuals affected with RYR2-related conditions. ClinVar contains an entry for this variant (Variation ID: 2724786). Invitae Evidence Modeling of protein sequence and biophysical properties (such as structural, functional, and spatial information, amino acid conservation, physicochemical variation, residue mobility, and thermodynamic stability) indicates that this missense variant is not expected to disrupt RYR2 protein function with a negative predictive value of 95%. In summary, the available evidence is currently insufficient to determine the role of this variant in disease. Therefore, it has been classified as a Variant of Uncertain Significance.

Color Diagnostics, LLC DBA Color Health
Classification: Uncertain significance for Cardiomyopathy. Last evaluated: 2025-09-01. Review status: criteria provided, single submitter. Criteria: ACMG Guidelines, 2015. Collection method: clinical testing. Allele origin: germline.
Comment: This missense variant replaces glutamic acid with aspartic acid at codon 255 of the RYR2 protein. Computational prediction suggests that this variant may not impact protein structure and function. To our knowledge, functional studies have not been reported for this variant. This variant has not been reported in individuals affected with RYR2-related disorders in the literature. This variant has not been identified in the general population by the Genome Aggregation Database (gnomAD). The available evidence is insufficient to determine the role of this variant in disease conclusively. Therefore, this variant is classified as a Variant of Uncertain Significance.

All of Us Research Program, National Institutes of Health
Classification: Uncertain significance for Catecholaminergic polymorphic ventricular tachycardia. Last evaluated: 2023-11-30. Review status: criteria provided, single submitter. Criteria: ACMG Guidelines, 2015. Collection method: clinical testing. Allele origin: germline. Inheritance: Autosomal dominant inheritance. Observed: 1 variant allele, 1 heterozygote.
Comment: This study involves interpretation of variants in research participants for the purpose of population health screening. Participant phenotype was not available at the time of variant classification. Additional details can be found in publication PMID: 35346344, PMCID: PMC8962531

NM_001035.3(RYR2):c.765G>C (p.Glu255Asp)

Gene: RYR2 (ryanodine receptor 2; plus strand). Cytogenetic location: 1q43.
Variant type: single nucleotide variant.
Coding change: c.765G>C on transcript NM_001035.3 (MANE Select); coding-DNA position 765, G replaced by C.
Protein change: p.Glu255Asp; replaces glutamic acid 255 with aspartic acid.
Molecular consequence: missense variant.
Genome position (GRCh38, 1-based): chr1:237,388,175, G>C. VCF-style: chr1-237388175-G-C. GRCh37 (hg19) VCF-style: chr1-237551475-G-C.
Other names: short protein forms E255D.
Identifiers: ClinVar variation 2724786 (VCV002724786.5), dbSNP rs2149848184, ClinGen allele CA345378505.